The following is an entry in ClinVar:

ClinVar aggregate classification (germline): Likely benign. Review status: criteria provided, single submitter (1 of 4 stars). 2 submissions from 2 submitters: Likely benign (1). 1 of the submissions does not count toward it. Last evaluated 2025-09-13.

Conditions:
LRBA-related disorder. Also called: LRBA-related condition.
Combined immunodeficiency due to LRBA deficiency. Also called: Common variable immunodeficiency 8, with autoimmunity. Identifiers: Orphanet 445018, MedGen C3553512, MONDO:0013863, OMIM 614700.

Allele frequency attached by ClinVar (database versions not stated): ExAC 0.00005; gnomAD exomes 0.00007; gnomAD 0.00017 and 0.00018; TOPMed 0.00018; ESP Exome Variant Server 0.00031.
gnomAD v4.1: 225 of 1,596,870 alleles (0.014%); highest among the groups gnomAD compares: African/African-American, 0.035%; 1 homozygote.

Submissions (2):

Labcorp Genetics (formerly Invitae), Labcorp
Classification: Likely benign for Combined immunodeficiency due to LRBA deficiency. Last evaluated: 2025-09-13. Review status: criteria provided, single submitter. Criteria: Invitae Variant Classification Sherloc (09022015). Collection method: clinical testing. Allele origin: germline.

PreventionGenetics, part of Exact Sciences
Classification: Likely benign for LRBA-related condition. Last evaluated: 2024-03-11. Review status: no assertion criteria provided. Collection method: clinical testing. Allele origin: germline. Not counted in ClinVar's aggregate classification.
Comment: This variant is classified as likely benign based on ACMG/AMP sequence variant interpretation guidelines (Richards et al. 2015 PMID: 25741868, with internal and published modifications).

NM_001364905.1(LRBA):c.1014+7A>C

Gene: LRBA (LPS responsive beige-like anchor protein; minus strand). Cytogenetic location: 4q31.3.
Variant type: single nucleotide variant.
Coding change: c.1014+7A>C on transcript NM_001364905.1 (MANE Select); 7 bases into the intron after coding-DNA position 1014, A replaced by C.
Molecular consequence: intron variant.
Genome position (GRCh38, 1-based): chr4:150,915,601, T>G on the plus strand (A>C on the coding strand, the complement: LRBA is on the minus strand). VCF-style: chr4-150915601-T-G. GRCh37 (hg19) VCF-style: chr4-151836753-T-G.
Other names: c.1014+7A>C (NM_001367550.1, NM_006726.5, NM_001199282.3 and 2 more transcripts).
Identifiers: ClinVar variation 540419 (VCV000540419.12), dbSNP rs375965457, ClinGen allele CA3103699.
Genomic context (GRCh38, chr4:150,915,601, plus strand): 5'-TTTCTTGTTTAAAAAGCTCATGCTTTTAAAATCACTTTTTTCATTGCAACATTTTGAAAC[T>G]ACTTACATCGCTAGTGTTGACAAACCATGTTATCTCTCCATAGGAAGCCAGCTCACCATT-3'